The following is an entry in ClinVar:

ClinVar aggregate classification (germline): Likely benign (1 of 4 stars; one submission).

Conditions:
Arrhythmogenic right ventricular cardiomyopathy (ARVD). Also called: Arrhythmogenic right ventricular dysplasia; Cardiomyopathy, ARVC; Arrhythmogenic cardiomyopathy; Arrhythmogenic Right Ventricular Cardiomyopathy (ARVC). Identifiers: Orphanet 247, MedGen C0349788, MeSH D019571, MONDO:0016587. Disease mechanism: loss of function. Inheritance: Various modes of inheritance.

Submission:

All of Us Research Program, National Institutes of Health
Classification: Likely benign for Arrhythmogenic right ventricular cardiomyopathy. Last evaluated: 2023-03-09. Review status: criteria provided, single submitter. Criteria: ACMG Guidelines, 2015. Collection method: clinical testing. Allele origin: germline. Inheritance: Autosomal dominant inheritance. Observed: 1 variant allele, 1 heterozygote.
Comment: This study involves interpretation of variants in research participants for the purpose of population health screening. Participant phenotype was not available at the time of variant classification. Additional details can be found in publication PMID: 35346344, PMCID: PMC8962531

NM_001943.5(DSG2):c.630G>T (p.Val210=)

Gene: DSG2 (desmoglein 2; plus strand). Cytogenetic location: 18q12.1.
Variant type: single nucleotide variant.
Coding change: c.630G>T on transcript NM_001943.5 (MANE Select); coding-DNA position 630, G replaced by T.
Protein change: p.Val210=; no amino-acid change (valine 210 retained).
Molecular consequence: synonymous variant.
Genome position (GRCh38, 1-based): chr18:31,522,189, G>T. VCF-style: chr18-31522189-G-T. GRCh37 (hg19) VCF-style: chr18-29102152-G-T.
Identifiers: ClinVar variation 3069874 (VCV003069874.1), dbSNP rs1392721083, ClinGen allele CA503598197.
Genomic context (GRCh38, chr18:31,522,189, plus strand): 5'-TACCCTGAATTCGAAAATTTCCTATAGAATCGTATCTCTGGAGCCTGCTTATCCTCCAGT[G>T]TTCTACCTAAATAAAGATACAGGAGAGATTTATACAACCAGTGTTACCTTGGACAGAGAG-3'
Protein context (NP_001934.2, residues 200-220): IVSLEPAYPP[Val210=]FYLNKDTGEI